The following is an entry in ClinVar:

ClinVar aggregate classification (germline): Uncertain significance (1 of 4 stars; one submission).

Conditions:
Hereditary cancer-predisposing syndrome. Also called: Neoplastic Syndromes, Hereditary; Tumor predisposition; Hereditary neoplastic syndrome; Hereditary Cancer Syndrome. Identifiers: Orphanet 140162, MedGen C0027672, MeSH D009386, MONDO:0015356.

Submission:

Ambry Genetics
Classification: Uncertain significance for Hereditary cancer-predisposing syndrome. Last evaluated: 2026-07-07. Review status: criteria provided, single submitter. Criteria: Ambry Variant Classification Scheme 2023. Collection method: clinical testing. Allele origin: germline.
Comment: The p.D349N variant (also known as c.1045G>A), located in coding exon 8 of the CDH1 gene, results from a G to A substitution at nucleotide position 1045. The aspartic acid at codon 349 is replaced by asparagine, an amino acid with highly similar properties. This amino acid position is conserved. In addition, the in silico prediction for this alteration is inconclusive. Based on the available evidence, the clinical significance of this variant remains unclear.

NM_004360.5(CDH1):c.1045G>A (p.Asp349Asn)

Gene: CDH1 (cadherin 1; plus strand). Cytogenetic location: 16q22.1.
Variant type: single nucleotide variant.
Coding change: c.1045G>A on transcript NM_004360.5 (MANE Select); coding-DNA position 1045, G replaced by A.
Protein change: p.Asp349Asn; replaces aspartic acid 349 with asparagine.
Molecular consequence: missense variant. On other transcripts: 5 prime UTR variant (2).
Genome position (GRCh38, 1-based): chr16:68,812,171, G>A. VCF-style: chr16-68812171-G-A. GRCh37 (hg19) VCF-style: chr16-68846074-G-A.
Other names: c.1045G>A, p.Asp349Asn (NM_001317184.2); c.-571G>A (NM_001317185.2); c.-775G>A (NM_001317186.2); short protein forms D349N.
Identifiers: ClinVar variation 5033979 (VCV005033979.1).